The following is an entry in ClinVar:

ClinVar aggregate classification (germline): Benign/Likely benign. Review status: criteria provided, multiple submitters, no conflicts (2 of 4 stars). 6 submissions from 6 submitters: Benign (1); Likely benign (4). 1 of the submissions does not count toward it. Last evaluated 2026-02-01.

Conditions:
DOCK8-related disorder. Also called: DOCK8-related condition.
Combined immunodeficiency due to DOCK8 deficiency (HIES2). Also called: HYPER-IgE RECURRENT INFECTION SYNDROME 2, AUTOSOMAL RECESSIVE; HIES autosomal recessive; HYPER-IgE SYNDROME 2, AUTOSOMAL RECESSIVE, WITH RECURRENT INFECTIONS; DOCK8 Deficiency; Hyper-IgE recurrent infection syndrome, autosomal recessive. Identifiers: Orphanet 217390, MedGen C4722305, MONDO:0009478, OMIM 243700.

Allele frequency attached by ClinVar (database versions not stated): ExAC 0.00014; gnomAD exomes 0.00017 and 0.00021; TOPMed 0.00019; gnomAD 0.00029 and 0.00030; 1000 Genomes Project 0.00060; 1000 Genomes Project 30x 0.00078.
gnomAD v4.1: 288 of 1,613,160 alleles (0.018%); highest among the groups gnomAD compares: African/African-American, 0.037%; 1 homozygote.

Submissions (6):

Labcorp Genetics (formerly Invitae), Labcorp
Classification: Benign for Combined immunodeficiency due to DOCK8 deficiency. Last evaluated: 2026-02-01. Review status: criteria provided, single submitter. Criteria: Invitae Variant Classification Sherloc (09022015). Collection method: clinical testing. Allele origin: germline.

Laboratory of Genetics, Children's Clinical University Hospital Latvia
Classification: Likely benign. Last evaluated: 2025-02-16. Review status: criteria provided, single submitter. Criteria: ACMG Guidelines, 2015. Collection method: clinical testing. Allele origin: germline. Affected: yes.

Blueprint Genetics
Classification: Likely benign. Last evaluated: 2024-11-08. Review status: criteria provided, single submitter. Criteria: ACMG Guidelines, 2015. Collection method: clinical testing. Allele origin: germline.

CeGaT Center for Human Genetics Tuebingen
Classification: Likely benign. Last evaluated: 2022-11-01. Review status: criteria provided, single submitter. Criteria: CeGaT Center For Human Genetics Tuebingen Variant Classification Criteria Version 2. Collection method: clinical testing. Allele origin: germline. Affected: yes. Observed: 2 variant alleles.
Comment: DOCK8: BP4, BS2

Genetic Services Laboratory, University of Chicago
Classification: Likely benign. Last evaluated: 2021-04-13. Review status: criteria provided, single submitter. Criteria: ACMG Guidelines, 2015. Collection method: clinical testing. Allele origin: germline. Affected: no.

PreventionGenetics, part of Exact Sciences
Classification: Likely benign for DOCK8-related condition. Last evaluated: 2019-08-07. Review status: no assertion criteria provided. Collection method: clinical testing. Allele origin: germline. Not counted in ClinVar's aggregate classification.
Comment: This variant is classified as likely benign based on ACMG/AMP sequence variant interpretation guidelines (Richards et al. 2015 PMID: 25741868, with internal and published modifications).

NM_203447.4(DOCK8):c.828-7A>G

Gene: DOCK8 (dedicator of cytokinesis 8; plus strand). Cytogenetic location: 9p24.3.
Variant type: single nucleotide variant.
Coding change: c.828-7A>G on transcript NM_203447.4 (MANE Select); 7 bases into the intron before coding-DNA position 828, A replaced by G.
Molecular consequence: intron variant.
Genome position (GRCh38, 1-based): chr9:325,664, A>G. VCF-style: chr9-325664-A-G. GRCh37 (hg19) VCF-style: chr9-325664-A-G.
Other names: c.624-7A>G (NM_001193536.2, NM_001190458.2).
Identifiers: ClinVar variation 366578 (VCV000366578.44), dbSNP rs200243583, ClinGen allele CA4957483.